The following is an entry in ClinVar:

ClinVar aggregate classification (germline): Uncertain significance. Review status: criteria provided, multiple submitters, no conflicts (2 of 4 stars). 2 submissions from 2 submitters: Uncertain significance (2). Last evaluated 2025-06-18.

Conditions:
Hereditary cancer-predisposing syndrome. Also called: Neoplastic Syndromes, Hereditary; Hereditary Cancer Syndrome; Hereditary neoplastic syndrome; Tumor predisposition. Identifiers: Orphanet 140162, MedGen C0027672, MeSH D009386, MONDO:0015356.
Breast-ovarian cancer, familial, susceptibility to, 4. Identifiers: Orphanet 145, MedGen C3280345, MONDO:0013669, OMIM 614291.

Submissions (2):

Labcorp Genetics (formerly Invitae), Labcorp
Classification: Uncertain significance for Breast-ovarian cancer, familial, susceptibility to, 4. Last evaluated: 2025-06-18. Review status: criteria provided, single submitter. Criteria: Invitae Variant Classification Sherloc (09022015). Collection method: clinical testing. Allele origin: germline.
Comment: This sequence change replaces glutamine, which is neutral and polar, with histidine, which is basic and polar, at codon 18 of the RAD51D protein (p.Gln18His). This variant is not present in population databases (gnomAD no frequency). This variant has not been reported in the literature in individuals affected with RAD51D-related conditions. ClinVar contains an entry for this variant (Variation ID: 539862). An algorithm developed to predict the effect of missense changes on protein structure and function (PolyPhen-2) suggests that this variant is likely to be tolerated. In summary, the available evidence is currently insufficient to determine the role of this variant in disease. Therefore, it has been classified as a Variant of Uncertain Significance.

Ambry Genetics
Classification: Uncertain significance for Hereditary cancer-predisposing syndrome. Last evaluated: 2022-09-30. Review status: criteria provided, single submitter. Criteria: Ambry Variant Classification Scheme 2023. Collection method: clinical testing. Allele origin: germline.
Comment: The p.Q18H variant (also known as c.54G>T), located in coding exon 1 of the RAD51D gene, results from a G to T substitution at nucleotide position 54. The glutamine at codon 18 is replaced by histidine, an amino acid with highly similar properties. This amino acid position is not well conserved in available vertebrate species. In addition, this alteration is predicted to be tolerated by in silico analysis. Since supporting evidence is limited at this time, the clinical significance of this alteration remains unclear.

NM_002878.4(RAD51D):c.54G>T (p.Gln18His)

Genes: RAD51L3-RFFL (RAD51L3-RFFL readthrough; minus strand), RAD51D (RAD51 paralog D; minus strand). Cytogenetic location: 17q12.
Variant type: single nucleotide variant.
Coding change: c.54G>T on transcript NM_002878.4 (MANE Select); coding-DNA position 54, G replaced by T.
Protein change: p.Gln18His; replaces glutamine 18 with histidine.
Molecular consequence: missense variant. On other transcripts: non-coding transcript variant (2).
Genome position (GRCh38, 1-based): chr17:35,119,560, C>A on the plus strand (G>T on the coding strand, the complement: RAD51D is on the minus strand). VCF-style: chr17-35119560-C-A. GRCh37 (hg19) VCF-style: chr17-33446579-C-A.
Other names: c.54G>T, p.Gln18His (NM_001142571.2, NM_133629.3); short protein forms Q18H.
Identifiers: ClinVar variation 539862 (VCV000539862.13), dbSNP rs1331918329, ClinGen allele CA399092387.
Genomic context (GRCh38, chr17:35,119,560, plus strand): 5'-CGCGGCTCCCTGGCACGCGCACACCCGGTCACCTGTCTTGATCCTGTGGCTCCTGAGAAG[C>A]TGGATCATCTCCTCGGTAAGGCCAGGGCACAGTCCGACCCTGAGCACGCCCATGTTCCCC-3'
Protein context (NP_002869.3, residues 8-28): LCPGLTEEMI[Gln18His]LLRSHRIKTV